The following is an entry in ClinVar:

NM_001378120.1(MBD5):c.2740T>G (p.Leu914Val)

Gene: MBD5 (methyl-CpG binding domain protein 5; plus strand). Cytogenetic location: 2q23.1.
Variant type: single nucleotide variant.
Coding change: c.2740T>G on transcript NM_001378120.1 (MANE Select); coding-DNA position 2740, T replaced by G.
Protein change: p.Leu914Val; replaces leucine 914 with valine.
Molecular consequence: missense variant.
Genome position (GRCh38, 1-based): chr2:148,483,331, T>G. VCF-style: chr2-148483331-T-G. GRCh37 (hg19) VCF-style: chr2-149240900-T-G.
Other names: c.2740T>G, p.Leu914Val (NM_018328.5); short protein forms L914V.
Identifiers: ClinVar variation 1469522 (VCV001469522.6), dbSNP rs1346667597, ClinGen allele CA348722599.

ClinVar aggregate classification (germline): Uncertain significance (1 of 4 stars; one submission).

Conditions:
Intellectual developmental disorder, autosomal dominant 1. Also called: Intellectual disability, autosomal dominant 1; MBD5 Haploinsufficiency. Identifiers: Orphanet 228402, MedGen C1969562, MONDO:0007974, OMIM 156200.

Allele frequency attached by ClinVar (database versions not stated): TOPMed below 0.00001; gnomAD 0.00001.
gnomAD v4.1: 3 of 1,613,934 alleles (0.00019%); highest among the groups gnomAD compares: Non-Finnish European, 0.00025%; no homozygotes.

Submission:

Labcorp Genetics (formerly Invitae), Labcorp
Classification: Uncertain significance for Intellectual developmental disorder, autosomal dominant 1. Last evaluated: 2025-02-09. Review status: criteria provided, single submitter. Criteria: Invitae Variant Classification Sherloc (09022015). Collection method: clinical testing. Allele origin: germline.
Comment: This sequence change replaces leucine, which is neutral and non-polar, with valine, which is neutral and non-polar, at codon 914 of the MBD5 protein (p.Leu914Val). This variant is not present in population databases (gnomAD no frequency). This variant has not been reported in the literature in individuals affected with MBD5-related conditions. ClinVar contains an entry for this variant (Variation ID: 1469522). Invitae Evidence Modeling of protein sequence and biophysical properties (such as structural, functional, and spatial information, amino acid conservation, physicochemical variation, residue mobility, and thermodynamic stability) indicates that this missense variant is not expected to disrupt MBD5 protein function with a negative predictive value of 80%. In summary, the available evidence is currently insufficient to determine the role of this variant in disease. Therefore, it has been classified as a Variant of Uncertain Significance.